The following is an entry in ClinVar:

NM_003764.4(STX11):c.157_160del (p.Asp53fs)

Gene: STX11 (syntaxin 11; plus strand). Cytogenetic location: 6q24.2.
Variant type: Deletion.
Coding change: c.157_160del on transcript NM_003764.4 (MANE Select); coding-DNA positions 157 to 160, 4 bases deleted (GATG; older notation c.157_160delGATG).
Protein change: p.Asp53fs; shifts the reading frame from aspartic acid 53.
Molecular consequence: frameshift variant.
Genome position (GRCh38, 1-based): chr6:144,186,784-144,186,787, GATG deleted; deleting any 4 consecutive bases within chr6:144,186,783-144,186,787 gives the same sequence; the c. name uses the placement nearest the transcript's 3' end. VCF-style (leftmost placement, unchanged base first): chr6-144186782-AGGAT-A. GRCh37 (hg19) VCF-style: chr6-144507919-AGGAT-A.
Other names: short protein forms D53fs.
Identifiers: ClinVar variation 3240550 (VCV003240550.2), dbSNP rs765287715.

ClinVar aggregate classification (germline): Likely pathogenic. Review status: criteria provided, multiple submitters, no conflicts (2 of 4 stars). 2 submissions from 2 submitters: Likely pathogenic (2). Last evaluated 2024-09-29.

Conditions:
Familial hemophagocytic lymphohistiocytosis 4 (FHL4). Also called: STX11-Related Familial Hemophagocytic Lymphohistiocytosis (STX11-fHLH). Identifiers: Orphanet 540, MedGen C1863728, MONDO:0011336, OMIM 603552.

Submissions (2):

3billion
Classification: Likely pathogenic for Familial hemophagocytic lymphohistiocytosis 4. Last evaluated: 2024-09-29. Review status: criteria provided, single submitter. Criteria: ACMG Guidelines, 2015. Collection method: clinical testing. Allele origin: germline. Affected: yes.
Comment: The variant is observed at an extremely low frequency in the gnomAD v4.1.0 dataset (total allele frequency: <0.001%). Predicted Consequence/Location: Frameshift: predicted to result in a loss or disruption of normal protein function through protein truncation. The predicted truncated protein may be shortened by more than 10%. The variant has been reported to be associated with STX11 related disorder (ClinVar ID: VCV003240550). Therefore, this variant is classified as Likely pathogenic according to the recommendation of ACMG/AMP guideline.

Baylor Genetics
Classification: Likely pathogenic for Familial hemophagocytic lymphohistiocytosis 4. Last evaluated: 2024-02-04. Review status: criteria provided, single submitter. Criteria: ACMG Guidelines, 2015. Collection method: clinical testing. Allele origin: unknown.